The following is an entry in ClinVar:

NM_001009944.3(PKD1):c.5318C>T (p.Thr1773Ile)

Gene: PKD1 (polycystin 1, transient receptor potential channel interacting; minus strand). Cytogenetic location: 16p13.3.
Variant type: single nucleotide variant.
Coding change: c.5318C>T on transcript NM_001009944.3 (MANE Select); coding-DNA position 5318, C replaced by T.
Protein change: p.Thr1773Ile; replaces threonine 1773 with isoleucine.
Molecular consequence: missense variant.
Genome position (GRCh38, 1-based): chr16:2,109,849, G>A on the plus strand (C>T on the coding strand, the complement: PKD1 is on the minus strand). VCF-style: chr16-2109849-G-A. GRCh37 (hg19) VCF-style: chr16-2159850-G-A.
Other names: c.5318C>T, p.Thr1773Ile (NM_000296.4); short protein forms T1773I.
Identifiers: ClinVar variation 433966 (VCV000433966.44), dbSNP rs140162759, ClinGen allele CA7832035.
Genomic context (GRCh38, chr16:2,109,849, plus strand): 5'-GTGGCGTTGGCTGAGCCCAGCGGGTTCCCTGCCGTCATGGTGACCAAGTGCAGGCCGGGT[G>A]TGGGGAAGCTATGGGTGGTAAATGGCTCGGAGGTCTCCCAGCTCAGCCCCTCCTCCAAGG-3'
Protein context (NP_001009944.3, residues 1763-1783): SEPFTTHSFP[Thr1773Ile]PGLHLVTMTA

ClinVar aggregate classification (germline): Benign/Likely benign. Review status: criteria provided, multiple submitters, no conflicts (2 of 4 stars). 10 submissions from 10 submitters: Benign (4); Likely benign (2). 4 of the submissions do not count toward it. Last evaluated 2025-10-01.

Conditions:
Polycystic kidney disease, adult type (PKD1). Also called: POLYCYSTIC KIDNEY DISEASE, ADULT, TYPE I; Polycystic Kidney, Autosomal Dominant; POLYCYSTIC KIDNEY DISEASE 1 WITH OR WITHOUT POLYCYSTIC LIVER DISEASE; Polycystic Kidney Disease 1, Autosomal Dominant; Polycystic kidney disease 1; Polycystic kidney disease 1, severe. Identifiers: MedGen C3149841, MONDO:0008263, OMIM 173900.
Polycystic kidney disease. Also called: Kidney, Polycystic; Polycystic kidney dysplasia. Identifiers: MedGen C0022680, MeSH D007690, MONDO:0020642, HP:0000113.
PKD1-related disorder. Also called: PKD1-related condition.

Allele frequency attached by ClinVar (database versions not stated): gnomAD 0.00058 and 0.00102; TOPMed 0.00061; ESP Exome Variant Server 0.00069; 1000 Genomes Project 30x 0.00156; 1000 Genomes Project 0.00180; gnomAD exomes 0.00186 and 0.00226; ExAC 0.00245.
gnomAD v4.1: 2,840 of 1,610,698 alleles (0.18%); highest among the groups gnomAD compares: South Asian, 1.4%; 25 homozygotes.

Submissions (10):

CeGaT Center for Human Genetics Tuebingen
Classification: Benign. Last evaluated: 2025-10-01. Review status: criteria provided, single submitter. Criteria: CeGaT Center For Human Genetics Tuebingen Variant Classification Criteria Version 2. Collection method: clinical testing. Allele origin: germline. Affected: yes. Observed: 3 variant alleles.
Comment: PKD1: BP4, BS1, BS2

PreventionGenetics, part of Exact Sciences
Classification: Benign for PKD1-related condition. Last evaluated: 2025-03-24. Review status: criteria provided, single submitter. Criteria: ACMG Guidelines, 2015. Collection method: clinical testing. Allele origin: germline.
Comment: This variant is classified as benign based on ACMG/AMP sequence variant interpretation guidelines (Richards et al. 2015 PMID: 25741868, with internal and published modifications).

Blueprint Genetics
Classification: Likely benign. Last evaluated: 2024-11-22. Review status: criteria provided, single submitter. Criteria: ACMG Guidelines, 2015. Collection method: clinical testing. Allele origin: germline.

Fulgent Genetics
Classification: Likely benign for Polycystic kidney disease, adult type. Last evaluated: 2022-04-12. Review status: criteria provided, single submitter. Criteria: ACMG Guidelines, 2015. Collection method: clinical testing. Allele origin: unknown.

Athena Diagnostics
Classification: Benign. Last evaluated: 2021-05-03. Review status: criteria provided, single submitter. Criteria: Athena Diagnostics criteria. Collection method: clinical testing. Allele origin: unknown.

ARUP Laboratories, Molecular Genetics and Genomics, ARUP Laboratories
Classification: Benign for Polycystic kidney disease, adult type. Last evaluated: 2018-12-19. Review status: criteria provided, single submitter. Criteria: ARUP Molecular Germline Variant Investigation Process. Collection method: clinical testing. Allele origin: germline.

Genetic Services Laboratory, University of Chicago
Classification: Likely benign. Last evaluated: 2022-12-19. Review status: no assertion criteria provided. Collection method: clinical testing. Allele origin: germline. Affected: no. Not counted in ClinVar's aggregate classification.

Clinical Genetics DNA and cytogenetics Diagnostics Lab, Erasmus MC, Erasmus Medical Center
Classification: Benign. Review status: no assertion criteria provided. Collection method: clinical testing. Allele origin: germline. Affected: yes. Study: VKGL Data-share Consensus. Not counted in ClinVar's aggregate classification.

Department of Pathology and Laboratory Medicine, Sinai Health System
Classification: Benign for Polycystic Kidney disease. Review status: no assertion criteria provided. Collection method: clinical testing. Allele origin: unknown. Affected: yes. Observed: 1 variant allele. Study: The Canadian Open Genetics Repository (COGR). Not counted in ClinVar's aggregate classification.
Comment: The PKD1 p.Thr1773Ile variant was not identified in the literature nor was it identified in the Clinvitae, ClinVar, MutDB, PKD1-LOVD and PKD1-LOVD 3.0 databases. The variant was identified in dbSNP (ID: rs140162759) as â€šÃ„ÃºNAâ€šÃ„Ã¹ with a mean allele frequency of 0.0018 (9 of 5000 chromosomes) in the 1000 Genomes Project; NHLBI GO Exome Sequencing Project in 9 of 8588 European American alleles and not found in African Americans, the Exome Aggregation Consortium database (March 14, 2016) in 290 (3 homozygous) of 118260 chromosomes (freq. 0.002452) in the following populations: South Asian in 234 of 16450 chromosomes (freq. 0.01422), European (Non-Finnish) in 51 of 64804 chromosomes (freq. 0.000787), Latino in 3 of 11454 chromosomes (freq. 0.0002619), African in 1 of 10028 chromosomes (freq. 0.00009972 and Other in 1 of 862 chromosomes (freq. 0.00116), but was not seen in East Asian and Finnish populations, increasing the likelihood this could be a low frequency benign variant. In addition we cannot be certain that data from control databases is specific to PKD1 and not from one of the six PKD1 pseudogenes. The variant was identified in GeneInsight COGR (benign) and the ADPKD Mutation Database (likely neutral). The p.Thr1773 residue is not conserved in mammals and computational analyses (PolyPhen-2, SIFT, AlignGVGD, BLOSUM, MutationTaster) do not suggest a high likelihood of impact to the protein; however, this information is not predictive enough to rule out pathogenicity. The variant amino acid Isoleucine is present in Ciona intestinalis, increasing the likelihood that this variant does not have clinical significance. The variant occurs outside of the splicing consensus sequence and 1 of 5 in silico or computational prediction software programs (SpliceSiteFinder, MaxEntScan, NNSPLICE, GeneSplicer, HumanSpliceFinder) predict a greater than 10% difference in splicing; this is not very predictive of pathogenicity. In summary, based on the above information, this variant is classified as benign.

Genome Diagnostics Laboratory, University Medical Center Utrecht
Classification: Benign. Review status: no assertion criteria provided. Collection method: clinical testing. Allele origin: germline. Affected: yes. Study: VKGL Data-share Consensus. Not counted in ClinVar's aggregate classification.

Literature cited by the submitters: PubMed 30647506 (cited by Athena Diagnostics); PubMed 17574468 (cited by Athena Diagnostics).